The following is an entry in ClinVar:

ClinVar aggregate classification (germline): Uncertain significance. Review status: criteria provided, multiple submitters, no conflicts (2 of 4 stars). 2 submissions from 2 submitters: Uncertain significance (2). Last evaluated 2025-10-21.

Conditions:
Inborn genetic diseases. Identifiers: MedGen C0950123, MeSH D030342.

Allele frequency attached by ClinVar (database versions not stated): gnomAD exomes 0.00001; ExAC 0.00002; gnomAD 0.00002; TOPMed 0.00004; ESP Exome Variant Server 0.00008.
gnomAD v4.1: 22 of 1,613,070 alleles (0.0014%); highest among the groups gnomAD compares: Middle Eastern, 0.016%; no homozygotes.

Submissions (2):

Ambry Genetics
Classification: Uncertain significance for Inborn genetic diseases. Last evaluated: 2025-10-21. Review status: criteria provided, single submitter. Criteria: Ambry Variant Classification Scheme 2023. Collection method: clinical testing. Allele origin: germline.

Labcorp Genetics (formerly Invitae), Labcorp
Classification: Uncertain significance. Last evaluated: 2022-10-25. Review status: criteria provided, single submitter. Criteria: Invitae Variant Classification Sherloc (09022015). Collection method: clinical testing. Allele origin: germline.
Comment: This sequence change replaces arginine, which is basic and polar, with glutamine, which is neutral and polar, at codon 1426 of the PTPN23 protein (p.Arg1426Gln). This variant is present in population databases (rs374667638, gnomAD 0.008%). This variant has not been reported in the literature in individuals affected with PTPN23-related conditions. Algorithms developed to predict the effect of missense changes on protein structure and function (SIFT, PolyPhen-2, Align-GVGD) all suggest that this variant is likely to be tolerated. In summary, the available evidence is currently insufficient to determine the role of this variant in disease. Therefore, it has been classified as a Variant of Uncertain Significance.

NM_015466.4(PTPN23):c.4277G>A (p.Arg1426Gln)

Gene: PTPN23 (protein tyrosine phosphatase non-receptor type 23; plus strand). Cytogenetic location: 3p21.31.
Variant type: single nucleotide variant.
Coding change: c.4277G>A on transcript NM_015466.4 (MANE Select); coding-DNA position 4277, G replaced by A.
Protein change: p.Arg1426Gln; replaces arginine 1426 with glutamine.
Molecular consequence: missense variant.
Genome position (GRCh38, 1-based): chr3:47,412,381, G>A. VCF-style: chr3-47412381-G-A. GRCh37 (hg19) VCF-style: chr3-47453871-G-A.
Other names: c.4277G>A (NM_015466.2); c.3899G>A, p.Arg1300Gln (NM_001304482.2); short protein forms R1426Q, R1300Q.
Identifiers: ClinVar variation 2179079 (VCV002179079.2), dbSNP rs374667638, ClinGen allele CA2366534.